The following is an entry in ClinVar:

NM_014251.3(SLC25A13):c.1258del (p.Met420fs)

Gene: SLC25A13 (solute carrier family 25 member 13; minus strand). Cytogenetic location: 7q21.3.
Variant type: Deletion.
Coding change: c.1258del on transcript NM_014251.3 (MANE Select); coding-DNA position 1258, one base deleted (A; older notation c.1258delA).
Protein change: p.Met420fs; shifts the reading frame from methionine 420.
Molecular consequence: frameshift variant. On other transcripts: non-coding transcript variant (1).
Genome position (GRCh38, 1-based): chr7:96,170,098, T deleted on the plus strand (A on the coding strand, the reverse complement: SLC25A13 is on the minus strand). VCF-style (leftmost placement, unchanged base first): chr7-96170097-AT-A. GRCh37 (hg19) VCF-style: chr7-95799409-AT-A.
Other names: c.1261del, p.Met421fs (NM_001160210.2); short protein forms M421fs, M420fs.
Identifiers: ClinVar variation 2772494 (VCV002772494.3), dbSNP rs2485729829, ClinGen allele CA2683824400.
Genomic context (GRCh38, chr7:96,170,097, plus strand): 5'-GTACTTACGCAGCCTCCAGCAAGAATTTCTGCTGCAAGTGGGACCGAACCATCTTTGTGC[AT>A]AAATTTATCCCTCACAAAATCGTTCACCTTGAAGAAAAATATTTATAGAAGCTGATGAAA-3'

ClinVar aggregate classification (germline): Pathogenic (1 of 4 stars; one submission).

Conditions:
Citrin deficiency. Identifiers: Orphanet 247582, MedGen C1997910, MONDO:0016602.

Allele frequency attached by ClinVar (database versions not stated): gnomAD exomes below 0.00001.

Submission:

Labcorp Genetics (formerly Invitae), Labcorp
Classification: Pathogenic for Citrin deficiency. Last evaluated: 2023-11-06. Review status: criteria provided, single submitter. Criteria: Invitae Variant Classification Sherloc (09022015). Collection method: clinical testing. Allele origin: germline.
Comment: This sequence change creates a premature translational stop signal (p.Met420Cysfs*24) in the SLC25A13 gene. It is expected to result in an absent or disrupted protein product. Loss-of-function variants in SLC25A13 are known to be pathogenic (PMID: 10369257, 14680984, 27405544). This variant is not present in population databases (gnomAD no frequency). This variant has not been reported in the literature in individuals affected with SLC25A13-related conditions. For these reasons, this variant has been classified as Pathogenic.

Literature cited by the submitters: PubMed 10369257; PubMed 14680984; PubMed 27405544.